The following is an entry in ClinVar:

NM_017777.4(MKS1):c.12C>T (p.Thr4=)

Genes: MKS1 (MKS transition zone complex subunit 1; minus strand), LOC130061271 (ATAC-STARR-seq lymphoblastoid active region 12461; plus strand). Cytogenetic location: 17q22.
Variant type: single nucleotide variant.
Coding change: c.12C>T on transcript NM_017777.4 (MANE Select); coding-DNA position 12, C replaced by T.
Protein change: p.Thr4=; no amino-acid change (threonine 4 retained).
Molecular consequence: synonymous variant. On other transcripts: 5 prime UTR variant (1).
Genome position (GRCh38, 1-based): chr17:58,219,219, G>A on the plus strand (C>T on the coding strand, the complement: MKS1 is on the minus strand). VCF-style: chr17-58219219-G-A. GRCh37 (hg19) VCF-style: chr17-56296580-G-A.
Other names: c.-500C>T (NM_001321268.2); c.12C>T, p.Thr4= (NM_001321269.2, NM_001330397.2).
Identifiers: ClinVar variation 288709 (VCV000288709.50), dbSNP rs372471169, ClinGen allele CA8669670.
Genomic context (GRCh38, chr17:58,219,219, plus strand): 5'-CAAGTTGCGCACGGGGTCCCGGGAGCGATACACTGCCTCCCCGGTGTCAGTGCTCCAGAC[G>A]GTCTCCGCCATGACAGCTGCGACGCGCCGCGACTGCGCCGGAAAGCGCGCCGCTCTGTTT-3'
Protein context (NP_060247.2, residues 1-14): MAE[Thr4=]VWSTDTGEAV

ClinVar aggregate classification (germline): Likely benign. Review status: criteria provided, multiple submitters, no conflicts (2 of 4 stars). 10 submissions from 10 submitters: Likely benign (7). 3 of the submissions do not count toward it. Last evaluated 2026-06-01.

Conditions:
Meckel-Gruber syndrome. Also called: GRUBER SYNDROME; DYSENCEPHALIA SPLANCHNOCYSTICA; Dysencephalia splachnocystica. Identifiers: Orphanet 564, MedGen C0265215, MONDO:0018921.
Joubert syndrome. Also called: Familial aplasia of the vermis; JOUBERT-BOLTSHAUSER SYNDROME. Identifiers: Orphanet 475, MedGen C5979921, MONDO:0018772.
Meckel syndrome, type 1 (MKS1). Also called: MECKEL-GRUBER SYNDROME, TYPE 1. Identifiers: Orphanet 564, MedGen C3714506, MONDO:0009571, OMIM 249000.

Allele frequency attached by ClinVar (database versions not stated): gnomAD exomes 0.00020 and 0.00042; ESP Exome Variant Server 0.00037; ExAC 0.00048; gnomAD 0.00147 and 0.00160; 1000 Genomes Project 0.00160; 1000 Genomes Project 30x 0.00172; TOPMed 0.00189.

Submissions (10):

CeGaT Center for Human Genetics Tuebingen
Classification: Likely benign. Last evaluated: 2026-06-01. Review status: criteria provided, single submitter. Criteria: CeGaT Center For Human Genetics Tuebingen Variant Classification Criteria Version 2. Collection method: clinical testing. Allele origin: germline. Affected: yes. Observed: 3 variant alleles.
Comment: MKS1: BP4, BP7

Labcorp Genetics (formerly Invitae), Labcorp
Classification: Likely benign for Joubert syndrome; Meckel-Gruber syndrome. Last evaluated: 2026-01-29. Review status: criteria provided, single submitter. Criteria: Invitae Variant Classification Sherloc (09022015). Collection method: clinical testing. Allele origin: germline.

Blueprint Genetics
Classification: Likely benign. Last evaluated: 2024-10-15. Review status: criteria provided, single submitter. Criteria: ACMG Guidelines, 2015. Collection method: clinical testing. Allele origin: germline.

GeneDx
Classification: Likely benign. Last evaluated: 2020-07-12. Review status: criteria provided, single submitter. Criteria: GeneDx Variant Classification Process June 2021. Collection method: clinical testing. Allele origin: germline. Affected: yes.

Genetic Services Laboratory, University of Chicago
Classification: Likely benign. Last evaluated: 2018-10-26. Review status: criteria provided, single submitter. Criteria: ACMG Guidelines, 2015. Collection method: clinical testing. Allele origin: germline. Affected: no.

Eurofins Ntd Llc (ga)
Classification: Likely benign. Last evaluated: 2018-05-03. Review status: criteria provided, single submitter. Criteria: EGL ClinVar v180209 classification definitions. Collection method: clinical testing. Allele origin: germline. Observed: 18 variant alleles, 18 heterozygotes.

Breakthrough Genomics
Classification: Likely benign. Review status: criteria provided, single submitter. Criteria: ACMG Guidelines, 2015. Collection method: not provided. Allele origin: germline. Inheritance: Autosomal recessive inheritance. Affected: yes.

Natera, Inc.
Classification: Likely benign for Meckel syndrome type 1. Last evaluated: 2020-09-16. Review status: no assertion criteria provided. Collection method: clinical testing. Allele origin: germline. Not counted in ClinVar's aggregate classification.

Clinical Genetics DNA and cytogenetics Diagnostics Lab, Erasmus MC, Erasmus Medical Center
Classification: Likely benign. Review status: no assertion criteria provided. Collection method: clinical testing. Allele origin: germline. Affected: yes. Study: VKGL Data-share Consensus. Not counted in ClinVar's aggregate classification.

Clinical Genetics, Academic Medical Center
Classification: Likely benign. Review status: no assertion criteria provided. Collection method: clinical testing. Allele origin: germline. Affected: yes. Study: VKGL Data-share Consensus. Not counted in ClinVar's aggregate classification.